The following is an entry in ClinVar:

ClinVar aggregate classification (germline): Uncertain significance (1 of 4 stars; one submission).

Submission:

Labcorp Genetics (formerly Invitae), Labcorp
Classification: Uncertain significance. Last evaluated: 2022-10-17. Review status: criteria provided, single submitter. Criteria: Invitae Variant Classification Sherloc (09022015). Collection method: clinical testing. Allele origin: germline.
Comment: Advanced modeling of protein sequence and biophysical properties (such as structural, functional, and spatial information, amino acid conservation, physicochemical variation, residue mobility, and thermodynamic stability) performed at Invitae indicates that this missense variant is not expected to disrupt IDH3B protein function. This variant has not been reported in the literature in individuals affected with IDH3B-related conditions. This variant is not present in population databases (gnomAD no frequency). This sequence change replaces valine, which is neutral and non-polar, with alanine, which is neutral and non-polar, at codon 88 of the IDH3B protein (p.Val88Ala). In summary, the available evidence is currently insufficient to determine the role of this variant in disease. Therefore, it has been classified as a Variant of Uncertain Significance.

NM_006899.5(IDH3B):c.263T>C (p.Val88Ala)

Gene: IDH3B (isocitrate dehydrogenase (NAD(+)) 3 non-catalytic subunit beta; minus strand). Cytogenetic location: 20p13.
Variant type: single nucleotide variant.
Coding change: c.263T>C on transcript NM_006899.5 (MANE Select); coding-DNA position 263, T replaced by C.
Protein change: p.Val88Ala; replaces valine 88 with alanine.
Molecular consequence: missense variant. On other transcripts: non-coding transcript variant (1).
Genome position (GRCh38, 1-based): chr20:2,663,520, A>G on the plus strand (T>C on the coding strand, the complement: IDH3B is on the minus strand). VCF-style: chr20-2663520-A-G. GRCh37 (hg19) VCF-style: chr20-2644166-A-G.
Other names: c.263T>C, p.Val88Ala (NM_001258384.3, NM_001330763.2, NM_174855.4); short protein forms V88A.
Identifiers: ClinVar variation 1721240 (VCV001721240.5), dbSNP rs2514767369, ClinGen allele CA408039811.
Genomic context (GRCh38, chr20:2,663,520, plus strand): 5'-TTGTTCTCCTTCATGGAACTCAGCACCTGCTCCAGCTTCTCCTCAGATGCCATATTCTGC[A>G]CCTCACTCAGGTGGTGCTCCTGGAACTCCACTGGGACAGCGGCAGCCTTCAGAGACAGGT-3'
Protein context (NP_008830.2, residues 78-98): VEFQEHHLSE[Val88Ala]QNMASEEKLE